The following is an entry in ClinVar:

NM_002029.4(FPR1):c.515G>A (p.Gly172Glu)

Gene: FPR1 (formyl peptide receptor 1; minus strand). Cytogenetic location: 19q13.41.
Variant type: single nucleotide variant.
Coding change: c.515G>A on transcript NM_002029.4 (MANE Select); coding-DNA position 515, G replaced by A.
Protein change: p.Gly172Glu; replaces glycine 172 with glutamic acid.
Molecular consequence: missense variant.
Genome position (GRCh38, 1-based): chr19:51,746,480, C>T on the plus strand (G>A on the coding strand, the complement: FPR1 is on the minus strand). VCF-style: chr19-51746480-C-T. GRCh37 (hg19) VCF-style: chr19-52249733-C-T.
Other names: c.515G>A, p.Gly172Glu (NM_001193306.2); short protein forms G172E.
Identifiers: ClinVar variation 4734204 (VCV004734204.1).

ClinVar aggregate classification (germline): Uncertain significance (1 of 4 stars; one submission).

Conditions:
Gingival disorder. Also called: Gingival disease. Identifiers: MedGen C0017563, MONDO:0002021.

Submission:

Labcorp Genetics (formerly Invitae), Labcorp
Classification: Uncertain significance for Gingival disorder. Last evaluated: 2025-12-26. Review status: criteria provided, single submitter. Criteria: Invitae Variant Classification Sherloc (09022015). Collection method: clinical testing. Allele origin: germline.
Comment: This sequence change replaces glycine, which is neutral and non-polar, with glutamic acid, which is acidic and polar, at codon 172 of the FPR1 protein (p.Gly172Glu). This variant is present in population databases (no rsID available, gnomAD 0.007%). This variant has not been reported in the literature in individuals affected with FPR1-related conditions. An algorithm developed to predict the effect of missense changes on protein structure and function outputs the following: PolyPhen-2: "Possibly Damaging". The glutamic acid amino acid residue is found in multiple mammalian species, which suggests that this missense change does not adversely affect protein function. In summary, the available evidence is currently insufficient to determine the role of this variant in disease. Therefore, it has been classified as a Variant of Uncertain Significance.